The following is an entry in ClinVar:

NM_015158.5(KANK1):c.3573C>G (p.His1191Gln)

Gene: KANK1 (KN motif and ankyrin repeat domains 1; plus strand). Cytogenetic location: 9p24.3.
Variant type: single nucleotide variant.
Coding change: c.3573C>G on transcript NM_015158.5 (MANE Select); coding-DNA position 3573, C replaced by G.
Protein change: p.His1191Gln; replaces histidine 1191 with glutamine.
Molecular consequence: missense variant. On other transcripts: non-coding transcript variant (1).
Genome position (GRCh38, 1-based): chr9:740,811, C>G. VCF-style: chr9-740811-C-G. GRCh37 (hg19) VCF-style: chr9-740811-C-G.
Other names: c.3573C>G, p.His1191Gln (NM_001256876.3, NM_001256877.3, NM_001354334.2); c.3333C>G, p.His1111Gln (NM_001354331.2); c.3519C>G, p.His1173Gln (NM_001354332.2); c.3099C>G, p.His1033Gln (NM_001354333.2, NM_001354335.2, NM_001354337.2 and 2 more transcripts); c.2805C>G, p.His935Gln (NM_001354336.2); c.3045C>G, p.His1015Gln (NM_001354338.2, NM_001354340.2, NM_001354344.2); c.2859C>G, p.His953Gln (NM_001354339.2, NM_001354342.2, NM_001354343.2); short protein forms H1033Q, H1191Q, H1111Q, H953Q, H935Q, H1015Q, H1173Q.
Identifiers: ClinVar variation 2979013 (VCV002979013.3), dbSNP rs976308882, ClinGen allele CA187801171.

ClinVar aggregate classification (germline): Uncertain significance (1 of 4 stars; one submission).

gnomAD v4.1: 40 of 1,612,962 alleles (0.0025%); highest among the groups gnomAD compares: Non-Finnish European, 0.0033%; no homozygotes.

Submission:

Labcorp Genetics (formerly Invitae), Labcorp
Classification: Uncertain significance. Last evaluated: 2025-10-01. Review status: criteria provided, single submitter. Criteria: Invitae Variant Classification Sherloc (09022015). Collection method: clinical testing. Allele origin: germline.
Comment: This sequence change replaces histidine, which is basic and polar, with glutamine, which is neutral and polar, at codon 1191 of the KANK1 protein (p.His1191Gln). This variant is present in population databases (no rsID available, gnomAD 0.0009%). This variant has not been reported in the literature in individuals affected with KANK1-related conditions. ClinVar contains an entry for this variant (Variation ID: 2979013). Invitae Evidence Modeling of protein sequence and biophysical properties (such as structural, functional, and spatial information, amino acid conservation, physicochemical variation, residue mobility, and thermodynamic stability) indicates that this missense variant is not expected to disrupt KANK1 protein function with a negative predictive value of 80%. In summary, the available evidence is currently insufficient to determine the role of this variant in disease. Therefore, it has been classified as a Variant of Uncertain Significance.